The following is an entry in ClinVar:

ClinVar aggregate classification (germline): Likely benign (0 of 4 stars; one submission).

Conditions:
PIEZO1-related disorder. Also called: PIEZO1-related condition; PIEZO1-Related Disorders.

Allele frequency attached by ClinVar (database versions not stated): gnomAD exomes below 0.00001; gnomAD 0.00001; TOPMed 0.00001.

Submission:

PreventionGenetics, part of Exact Sciences
Classification: Likely benign for PIEZO1-related condition. Last evaluated: 2020-07-08. Review status: no assertion criteria provided. Collection method: clinical testing. Allele origin: germline.
Comment: This variant is classified as likely benign based on ACMG/AMP sequence variant interpretation guidelines (Richards et al. 2015 PMID: 25741868, with internal and published modifications).

NM_001142864.4(PIEZO1):c.6660+10T>A

Gene: PIEZO1 (piezo type mechanosensitive ion channel component 1 (Er blood group); minus strand). Cytogenetic location: 16q24.3.
Variant type: single nucleotide variant.
Coding change: c.6660+10T>A on transcript NM_001142864.4 (MANE Select); 10 bases into the intron after coding-DNA position 6660, T replaced by A.
Molecular consequence: intron variant.
Genome position (GRCh38, 1-based): chr16:88,717,013, A>T on the plus strand (T>A on the coding strand, the complement: PIEZO1 is on the minus strand). VCF-style: chr16-88717013-A-T. GRCh37 (hg19) VCF-style: chr16-88783421-A-T.
Identifiers: ClinVar variation 3036268 (VCV003036268.2), dbSNP rs1207654152, ClinGen allele CA725597140.